The following is an entry in ClinVar:

NM_000548.5(TSC2):c.2684T>C (p.Met895Thr)

Gene: TSC2 (TSC complex subunit 2; plus strand). Cytogenetic location: 16p13.3.
Variant type: single nucleotide variant.
Coding change: c.2684T>C on transcript NM_000548.5 (MANE Select); coding-DNA position 2684, T replaced by C.
Protein change: p.Met895Thr; replaces methionine 895 with threonine.
Molecular consequence: missense variant.
Genome position (GRCh38, 1-based): chr16:2,076,112, T>C. VCF-style: chr16-2076112-T-C. GRCh37 (hg19) VCF-style: chr16-2126113-T-C.
Other names: c.2684T>C, p.Met895Thr (NM_001077183.3, NM_001114382.3, NM_001363528.2 and 3 more transcripts); c.2573T>C, p.Met858Thr (NM_001318827.2); c.2537T>C, p.Met846Thr (NM_001318829.2); c.2084T>C, p.Met695Thr (NM_001318831.2); c.2717T>C, p.Met906Thr (NM_001318832.2); c.2684T>C (NM_000548.3); short protein forms M695T, M846T, M858T, M895T, M906T.
Identifiers: ClinVar variation 1016121 (VCV001016121.9), dbSNP rs1284083563, ClinGen allele CA394279351.
Genomic context (GRCh38, chr16:2,076,112, plus strand): 5'-CCCCTTCTCATCTCAGGTTTAATCAGTACATCGTGTGTCTGGCCCATCACGTCATAGCCA[T>C]GTGGTTCATCAGGTGCCGCCTGCCCTTCCGGAAGGATTTTGTCCCTTTCATCACTAAGGT-3'
Protein context (NP_000539.2, residues 885-905): IVCLAHHVIA[Met895Thr]WFIRCRLPFR

ClinVar aggregate classification (germline): Conflicting classifications of pathogenicity. Review status: criteria provided, conflicting classifications (1 of 4 stars). 2 submissions from 2 submitters: Uncertain significance (1); Benign (1). Last evaluated 2024-09-16.

Conditions:
Hereditary cancer-predisposing syndrome. Also called: Tumor predisposition; Hereditary Cancer Syndrome; Neoplastic Syndromes, Hereditary; Hereditary neoplastic syndrome. Identifiers: Orphanet 140162, MedGen C0027672, MeSH D009386, MONDO:0015356.
Tuberous sclerosis 2 (TSC2). Identifiers: Orphanet 805, MedGen C1860707, MONDO:0013199, OMIM 613254.

Allele frequency attached by ClinVar (database versions not stated): gnomAD exomes 0.00001.
gnomAD v4.1: 4 of 1,613,878 alleles (0.00025%); highest among the groups gnomAD compares: Admixed American, 0.005%; no homozygotes.

Submissions (2):

Ambry Genetics
Classification: Uncertain significance for Hereditary cancer-predisposing syndrome. Last evaluated: 2024-09-16. Review status: criteria provided, single submitter. Criteria: Ambry Variant Classification Scheme 2023. Collection method: clinical testing. Allele origin: germline.
Comment: The p.M895T variant (also known as c.2684T>C), located in coding exon 23 of the TSC2 gene, results from a T to C substitution at nucleotide position 2684. The methionine at codon 895 is replaced by threonine, an amino acid with similar properties. This amino acid position is conserved. In addition, this alteration is predicted to be deleterious by in silico analysis. Based on the available evidence, the clinical significance of this variant remains unclear.

Labcorp Genetics (formerly Invitae), Labcorp
Classification: Benign for Tuberous sclerosis 2. Last evaluated: 2022-12-06. Review status: criteria provided, single submitter. Criteria: Invitae Variant Classification Sherloc (09022015). Collection method: clinical testing. Allele origin: germline.